The following is an entry in ClinVar:

ClinVar aggregate classification (germline): Likely benign. Review status: criteria provided, single submitter (1 of 4 stars). 2 submissions from 2 submitters: Likely benign (1). 1 of the submissions does not count toward it. Last evaluated 2023-11-29.

Conditions:
PCNT-related disorder. Also called: PCNT-related condition.

Allele frequency attached by ClinVar (database versions not stated): TOPMed below 0.00001.

Submissions (2):

Labcorp Genetics (formerly Invitae), Labcorp
Classification: Likely benign. Last evaluated: 2023-11-29. Review status: criteria provided, single submitter. Criteria: Invitae Variant Classification Sherloc (09022015). Collection method: clinical testing. Allele origin: germline.

PreventionGenetics, part of Exact Sciences
Classification: Likely benign for PCNT-related condition. Last evaluated: 2023-01-18. Review status: no assertion criteria provided. Collection method: clinical testing. Allele origin: germline. Not counted in ClinVar's aggregate classification.
Comment: This variant is classified as likely benign based on ACMG/AMP sequence variant interpretation guidelines (Richards et al. 2015 PMID: 25741868, with internal and published modifications).

NM_006031.6(PCNT):c.4302C>A (p.Ser1434=)

Gene: PCNT (pericentrin; plus strand). Cytogenetic location: 21q22.3.
Variant type: single nucleotide variant.
Coding change: c.4302C>A on transcript NM_006031.6 (MANE Select); coding-DNA position 4302, C replaced by A.
Protein change: p.Ser1434=; no amino-acid change (serine 1434 retained).
Molecular consequence: synonymous variant.
Genome position (GRCh38, 1-based): chr21:46,397,350, C>A. VCF-style: chr21-46397350-C-A. GRCh37 (hg19) VCF-style: chr21-47817264-C-A.
Other names: c.4302C>A (NM_006031.5); c.3948C>A, p.Ser1316= (NM_001315529.2).
Identifiers: ClinVar variation 2868101 (VCV002868101.4), dbSNP rs915702505, ClinGen allele CA322035563.